The following is an entry in ClinVar:

ClinVar aggregate classification (germline): Conflicting classifications of pathogenicity. Review status: criteria provided, conflicting classifications (1 of 4 stars). 2 submissions from 2 submitters: Uncertain significance (1); Likely benign (1). Last evaluated 2024-09-30.

Conditions:
FG syndrome (FGS). Identifiers: MedGen C0220769, MONDO:0002010.

Submissions (2):

Blueprint Genetics
Classification: Likely benign. Last evaluated: 2024-09-30. Review status: criteria provided, single submitter. Criteria: ACMG Guidelines, 2015. Collection method: clinical testing. Allele origin: germline.

Labcorp Genetics (formerly Invitae), Labcorp
Classification: Uncertain significance for FG syndrome. Last evaluated: 2022-09-13. Review status: criteria provided, single submitter. Criteria: Invitae Variant Classification Sherloc (09022015). Collection method: clinical testing. Allele origin: germline.
Comment: This sequence change falls in intron 13 of the MED12 gene. It does not directly change the encoded amino acid sequence of the MED12 protein. This variant is not present in population databases (gnomAD no frequency). This variant has not been reported in the literature in individuals affected with MED12-related conditions. Algorithms developed to predict the effect of sequence changes on RNA splicing suggest that this variant may create or strengthen a splice site. In summary, the available evidence is currently insufficient to determine the role of this variant in disease. Therefore, it has been classified as a Variant of Uncertain Significance.

NM_005120.3(MED12):c.1975-9T>C

Gene: MED12 (mediator complex subunit 12; plus strand). Cytogenetic location: Xq13.1.
Variant type: single nucleotide variant.
Coding change: c.1975-9T>C on transcript NM_005120.3 (MANE Select); 9 bases into the intron before coding-DNA position 1975, T replaced by C.
Molecular consequence: intron variant.
Genome position (GRCh38, 1-based): chrX:71,124,755, T>C. VCF-style: chrX-71124755-T-C. GRCh37 (hg19) VCF-style: chrX-70344605-T-C.
Identifiers: ClinVar variation 1934730 (VCV001934730.6), dbSNP rs998923247, ClinGen allele CA330977141.